The following is an entry in ClinVar:

ClinVar aggregate classification (germline): Uncertain significance (1 of 4 stars; one submission).

Conditions:
Kabuki syndrome. Also called: NIIKAWA-KUROKI SYNDROME; Kabuki make-up syndrome. Identifiers: Orphanet 2322, MedGen C0796004, MONDO:0016512.

Submissions (2):

Labcorp Genetics (formerly Invitae), Labcorp
Classification: Uncertain significance for Kabuki syndrome. Last evaluated: 2021-12-19. Review status: criteria provided, single submitter. Criteria: Invitae Variant Classification Sherloc (09022015). Collection method: clinical testing. Allele origin: germline.
Comment: In summary, the available evidence is currently insufficient to determine the role of this variant in disease. Therefore, it has been classified as a Variant of Uncertain Significance. Advanced modeling of protein sequence and biophysical properties (such as structural, functional, and spatial information, amino acid conservation, physicochemical variation, residue mobility, and thermodynamic stability) performed at Invitae indicates that this missense variant is not expected to disrupt KMT2D protein function. This variant has not been reported in the literature in individuals affected with KMT2D-related conditions. This variant is not present in population databases (gnomAD no frequency). This sequence change replaces alanine, which is neutral and non-polar, with glutamic acid, which is acidic and polar, at codon 2713 of the KMT2D protein (p.Ala2713Glu).

Dr. Peter K. Rogan Lab, Western University
No classification provided (evidence only). Condition: Thyroid cancer, nonmedullary, 1. Review status: no classification provided. Collection method: in vitro. Allele origin: not applicable. Functional consequence: retained intron. Not counted in ClinVar's aggregate classification.

NM_003482.4(KMT2D):c.8138C>A (p.Ala2713Glu)

Gene: KMT2D (lysine methyltransferase 2D; minus strand). Cytogenetic location: 12q13.12.
Variant type: single nucleotide variant.
Coding change: c.8138C>A on transcript NM_003482.4 (MANE Select); coding-DNA position 8138, C replaced by A.
Protein change: p.Ala2713Glu; replaces alanine 2713 with glutamic acid.
Molecular consequence: missense variant.
Genome position (GRCh38, 1-based): chr12:49,039,526, G>T on the plus strand (C>A on the coding strand, the complement: KMT2D is on the minus strand). VCF-style: chr12-49039526-G-T. GRCh37 (hg19) VCF-style: chr12-49433309-G-T.
Other names: short protein forms A2713E.
Identifiers: ClinVar variation 2048534 (VCV002048534.5), dbSNP rs779625462, ClinGen allele CA384743880.
Genomic context (GRCh38, chr12:49,039,526, plus strand): 5'-CTCAGCTGCTCAAAGGCAGGGCTGCTGGGCTCAGCACCCCAGCTGCCTGGAGGCCCCACT[G>T]CTCCTGCAGCTGCTGCAGCTGTTTCCTTCTCCTGCCGCAGGGTGTTGCGCTGGATCTGCT-3'
Protein context (NP_003473.3, residues 2703-2723): EKETAAAAAG[Ala2713Glu]VGPPGSWGAE